The following is an entry in ClinVar:

ClinVar aggregate classification (germline): Uncertain significance (1 of 4 stars; one submission).

Conditions:
Cardiovascular phenotype. Identifiers: MedGen CN230736.

Submission:

Ambry Genetics
Classification: Uncertain significance for Cardiovascular phenotype. Last evaluated: 2025-07-23. Review status: criteria provided, single submitter. Criteria: Ambry Variant Classification Scheme 2023. Collection method: clinical testing. Allele origin: germline.
Comment: The p.E397Q variant (also known as c.1189G>C), located in coding exon 2 of the KCNJ5 gene, results from a G to C substitution at nucleotide position 1189. The glutamic acid at codon 397 is replaced by glutamine, an amino acid with highly similar properties. This amino acid position is not well conserved in available vertebrate species. In addition, this alteration is predicted to be tolerated by in silico analysis. Based on the available evidence, the clinical significance of this variant remains unclear.

NM_000890.5(KCNJ5):c.1189G>C (p.Glu397Gln)

Gene: KCNJ5 (potassium inwardly rectifying channel subfamily J member 5; plus strand). Cytogenetic location: 11q24.3.
Variant type: single nucleotide variant.
Coding change: c.1189G>C on transcript NM_000890.5 (MANE Select); coding-DNA position 1189, G replaced by C.
Protein change: p.Glu397Gln; replaces glutamic acid 397 with glutamine.
Molecular consequence: missense variant.
Genome position (GRCh38, 1-based): chr11:128,916,660, G>C. VCF-style: chr11-128916660-G-C. GRCh37 (hg19) VCF-style: chr11-128786555-G-C.
Other names: c.1189G>C, p.Glu397Gln (NM_001354169.2); short protein forms E397Q.
Identifiers: ClinVar variation 4090510 (VCV004090510.1).